The following is an entry in ClinVar:

NM_001356.5(DDX3X):c.152-1G>A

Gene: DDX3X (DEAD-box helicase 3 X-linked; plus strand). Cytogenetic location: Xp11.4.
Variant type: single nucleotide variant.
Coding change: c.152-1G>A on transcript NM_001356.5 (MANE Select); the canonical splice acceptor site of the intron before coding-DNA position 152, G replaced by A.
Molecular consequence: splice acceptor variant.
Genome position (GRCh38, 1-based): chrX:41,341,483, G>A. VCF-style: chrX-41341483-G-A. GRCh37 (hg19) VCF-style: chrX-41200736-G-A.
Other names: c.152-1G>A (NM_001193416.3); c.104-1G>A (NM_001193417.3); c.-407-1G>A (NM_001363819.1).
Identifiers: ClinVar variation 1319946 (VCV001319946.7), dbSNP rs1131691769, ClinGen allele CA412764625.
Genomic context (GRCh38, chrX:41,341,483, plus strand): 5'-CCTTAACATGGTTCCTATTTCTAATTAATAATAAAATGTATTTGTGCTTTTTTAATCAAA[G>A]GTTTCTACGATAAAGACAGTTCAGGGTGGAGTTCTAGCAAAGATAAGGATGCGTATAGCA-3'

ClinVar aggregate classification (germline): Likely pathogenic. Review status: criteria provided, single submitter (1 of 4 stars). 2 submissions from 2 submitters: Likely pathogenic (1). 1 of the submissions does not count toward it. Last evaluated 2022-11-28.

Conditions:
Intellectual disability, X-linked 102 (MRXSSB). Also called: Intellectual developmental disorder, X-linked syndromic, Snijders Blok type. Identifiers: Orphanet 457260, MedGen C5393299, MONDO:0010497, OMIM 300958.

Submissions (2):

Labcorp Genetics (formerly Invitae), Labcorp
Classification: Likely pathogenic. Last evaluated: 2022-11-28. Review status: criteria provided, single submitter. Criteria: Invitae Variant Classification Sherloc (09022015). Collection method: clinical testing. Allele origin: germline.
Comment: Algorithms developed to predict the effect of sequence changes on RNA splicing suggest that this variant may disrupt the consensus splice site. ClinVar contains an entry for this variant (Variation ID: 1319946). This variant has not been reported in the literature in individuals affected with DDX3X-related conditions. This variant is not present in population databases (gnomAD no frequency). This sequence change affects an acceptor splice site in intron 3 of the DDX3X gene. It is expected to disrupt RNA splicing. Variants that disrupt the donor or acceptor splice site typically lead to a loss of protein function (PMID: 16199547), and loss-of-function variants in DDX3X are known to be pathogenic (PMID: 26235985). In summary, the currently available evidence indicates that the variant is pathogenic, but additional data are needed to prove that conclusively. Therefore, this variant has been classified as Likely Pathogenic.

Clinical Genetics Laboratory, University Hospital Schleswig-Holstein
Classification: Pathogenic for Intellectual disability, X-linked 102. Last evaluated: 2021-08-25. Review status: no assertion criteria provided. Collection method: clinical testing. Allele origin: germline. Affected: yes. Not counted in ClinVar's aggregate classification.

Literature cited by the submitters: PubMed 16199547 (cited by Labcorp Genetics (formerly Invitae), Labcorp); PubMed 26235985 (cited by Labcorp Genetics (formerly Invitae), Labcorp).